The following is an entry in ClinVar:

ClinVar aggregate classification (germline): Pathogenic. Review status: criteria provided, multiple submitters, no conflicts (2 of 4 stars). 2 submissions from 2 submitters: Pathogenic (2). Last evaluated 2023-11-29.

Conditions:
Hereditary cancer-predisposing syndrome. Also called: Neoplastic Syndromes, Hereditary; Tumor predisposition; Hereditary Cancer Syndrome; Hereditary neoplastic syndrome. Identifiers: Orphanet 140162, MedGen C0027672, MeSH D009386, MONDO:0015356.
Lynch syndrome 5 (LYNCH5). Also called: Colorectal cancer, hereditary nonpolyposis, type 5; Hereditary non-polyposis colorectal cancer, type 5. Identifiers: Orphanet 144, MedGen C1833477, MONDO:0013710, OMIM 614350. Disease mechanism: loss of function.

Submissions (2):

Myriad Genetics, Inc.
Classification: Pathogenic for Lynch syndrome 5. Last evaluated: 2023-11-29. Review status: criteria provided, single submitter. Criteria: Myriad Autosomal Dominant, Autosomal Recessive and X-Linked Classification Criteria (2023). Collection method: clinical testing. Allele origin: unknown.
Comment: This variant is considered pathogenic. This variant creates a frameshift predicted to result in premature protein truncation.

Ambry Genetics
Classification: Pathogenic for Hereditary cancer-predisposing syndrome. Last evaluated: 2018-03-29. Review status: criteria provided, single submitter. Criteria: Ambry Variant Classification Scheme 2023. Collection method: clinical testing. Allele origin: germline.
Comment: The c.2036_2042delTGGCCCTinsGG pathogenic mutation, located in coding exon 4 of the MSH6 gene, results from the deletion of 7 nucleotides and insertion of two nucleotides causing a translational frameshift with a predicted alternate stop codon (p.L679Wfs*17). This alteration is expected to result in loss of function by premature protein truncation or nonsense-mediated mRNA decay. As such, this alteration is interpreted as a disease-causing mutation.

NM_000179.3(MSH6):c.2036_2042delinsGG (p.Leu679fs)

Gene: MSH6 (mutS homolog 6; plus strand). Cytogenetic location: 2p16.3.
Variant type: Indel.
Coding change: c.2036_2042delinsGG on transcript NM_000179.3 (MANE Select); coding-DNA positions 2036 to 2042, TGGCCCT replaced by GG.
Protein change: p.Leu679fs; shifts the reading frame from leucine 679.
Molecular consequence: frameshift variant.
Genome position (GRCh38, 1-based): chr2:47,800,019-47,800,025, TGGCCCT replaced by GG. VCF-style: chr2-47800019-TGGCCCT-GG. GRCh37 (hg19) VCF-style: chr2-48027158-TGGCCCT-GG.
Other names: c.1646_1652delinsGG, p.Leu549fs (NM_001281492.2); c.1130_1136delinsGG, p.Leu377fs (NM_001281493.2, NM_001281494.2); c.2036_2042delTGGCCCTinsGG (NM_000179.2); short protein forms L549fs, L679fs, L377fs.
Identifiers: ClinVar variation 230953 (VCV000230953.6), dbSNP rs876658864, ClinGen allele CA10578090.
Genomic context (GRCh38, chr2:47,800,019, plus strand): 5'-TTAAAGGTATGACTTCAGAGTCTGATTCCATTGGGTTGACACCAGGAGAGAAAAGTGAAT[TGGCCCT>GG]CTCTGCTCTAGGTGGTTGTGTCTTCTACCTCAAAAAATGCCTTATTGATCAGGAGCTTTT-3'